The following is an entry in ClinVar:

ClinVar aggregate classification (germline): Benign. Review status: criteria provided, multiple submitters, no conflicts (2 of 4 stars). 2 submissions from 2 submitters: Benign (2). Last evaluated 2018-06-14.

Allele frequency attached by ClinVar (database versions not stated): gnomAD 0.03508 and 0.03768; 1000 Genomes Project 0.03514; 1000 Genomes Project 30x 0.03670; TOPMed 0.04022.
gnomAD v4.1: 10,062 of 1,339,696 alleles (0.75%); highest among the groups gnomAD compares: African/African-American, 12%; 545 homozygotes.

Submissions (2):

GeneDx
Classification: Benign. Last evaluated: 2018-06-14. Review status: criteria provided, single submitter. Criteria: GeneDx Variant Classification (06012015). Collection method: clinical testing. Allele origin: germline. Affected: yes.
Comment: This variant is considered likely benign or benign based on one or more of the following criteria: it is a conservative change, it occurs at a poorly conserved position in the protein, it is predicted to be benign by multiple in silico algorithms, and/or has population frequency not consistent with disease.

Breakthrough Genomics
Classification: Benign. Review status: criteria provided, single submitter. Criteria: ACMG Guidelines, 2015. Collection method: not provided. Allele origin: germline. Inheritance: Autosomal dominant inheritance. Affected: yes.

NM_017636.4(TRPM4):c.3131+105C>G

Gene: TRPM4 (transient receptor potential cation channel subfamily M member 4; plus strand). Cytogenetic location: 19q13.33.
Variant type: single nucleotide variant.
Coding change: c.3131+105C>G on transcript NM_017636.4 (MANE Select); 105 bases into the intron after coding-DNA position 3131, C replaced by G.
Molecular consequence: intron variant.
Genome position (GRCh38, 1-based): chr19:49,202,246, C>G. VCF-style: chr19-49202246-C-G. GRCh37 (hg19) VCF-style: chr19-49705503-C-G.
Other names: c.2696+105C>G (NM_001195227.2); c.1523+105C>G (NM_001321282.2); c.2786+105C>G (NM_001321281.2); c.2609+105C>G (NM_001321283.2); c.2069+105C>G (NM_001321285.2).
Identifiers: ClinVar variation 676399 (VCV000676399.2), dbSNP rs73942813, ClinGen allele CA309459471.